The following is an entry in ClinVar:

ClinVar aggregate classification (germline): Benign. Review status: criteria provided, multiple submitters, no conflicts (2 of 4 stars). 3 submissions from 3 submitters: Benign (2). 1 of the submissions does not count toward it. Last evaluated 2026-02-01.

Conditions:
OBSL1-related disorder. Also called: OBSL1-related condition.
3M syndrome 2. Also called: 3-M Syndrome, OBSL1-Related; THREE M SYNDROME 2. Identifiers: Orphanet 2616, MedGen C2752041, MONDO:0013039, OMIM 612921.

Allele frequency attached by ClinVar (database versions not stated): gnomAD exomes 0.00076 and 0.00621; gnomAD 0.00108; 1000 Genomes Project 0.00140; TOPMed 0.00286; 1000 Genomes Project 30x 0.00312; ExAC 0.01446.
gnomAD v4.1: 1,177 of 1,486,318 alleles (0.079%); highest among the groups gnomAD compares: Admixed American, 2.2%; 18 homozygotes.

Submissions (3):

Labcorp Genetics (formerly Invitae), Labcorp
Classification: Benign. Last evaluated: 2026-02-01. Review status: criteria provided, single submitter. Criteria: Invitae Variant Classification Sherloc (09022015). Collection method: clinical testing. Allele origin: germline.

Illumina Laboratory Services, Illumina
Classification: Benign for 3M syndrome 2. Last evaluated: 2018-01-12. Review status: criteria provided, single submitter. Criteria: ICSL Variant Classification Criteria 13 December 2019. Collection method: clinical testing. Allele origin: germline.
Comment: This variant was observed in the ICSL laboratory as part of a predisposition screen in an ostensibly healthy population. It had not been previously curated by ICSL or reported in the Human Gene Mutation Database (HGMD: prior to June 1st, 2018), and was therefore a candidate for classification through an automated scoring system. Utilizing variant allele frequency, disease prevalence and penetrance estimates, and inheritance mode, an automated score was calculated to assess if this variant is too frequent to cause the disease. Based on the score and internal cut-off values, a variant classified as benign is not then subjected to further curation. The score for this variant resulted in a classification of benign for this disease.

PreventionGenetics, part of Exact Sciences
Classification: Benign for OBSL1-related condition. Last evaluated: 2019-10-07. Review status: no assertion criteria provided. Collection method: clinical testing. Allele origin: germline. Not counted in ClinVar's aggregate classification.
Comment: This variant is classified as benign based on ACMG/AMP sequence variant interpretation guidelines (Richards et al. 2015 PMID: 25741868, with internal and published modifications).

NM_015311.3(OBSL1):c.96G>A (p.Lys32=)

Gene: OBSL1 (obscurin like cytoskeletal adaptor 1; minus strand). Cytogenetic location: 2q35.
Variant type: single nucleotide variant.
Coding change: c.96G>A on transcript NM_015311.3 (MANE Select); coding-DNA position 96, G replaced by A.
Protein change: p.Lys32=; no amino-acid change (lysine 32 retained).
Molecular consequence: synonymous variant.
Genome position (GRCh38, 1-based): chr2:219,571,137, C>T on the plus strand (G>A on the coding strand, the complement: OBSL1 is on the minus strand). VCF-style: chr2-219571137-C-T. GRCh37 (hg19) VCF-style: chr2-220435859-C-T.
Other names: c.96G>A, p.Lys32= (NM_001173408.2, NM_001173431.2).
Identifiers: ClinVar variation 334537 (VCV000334537.15), dbSNP rs200451309, ClinGen allele CA2131828.